The following is an entry in ClinVar:

NM_001365536.1(SCN9A):c.689G>T (p.Gly230Val)

Gene: SCN9A (sodium voltage-gated channel alpha subunit 9; minus strand). Cytogenetic location: 2q24.3.
Variant type: single nucleotide variant.
Coding change: c.689G>T on transcript NM_001365536.1 (MANE Select); coding-DNA position 689, G replaced by T.
Protein change: p.Gly230Val; replaces glycine 230 with valine.
Molecular consequence: missense variant.
Genome position (GRCh38, 1-based): chr2:166,303,302, C>A on the plus strand (G>T on the coding strand, the complement: SCN9A is on the minus strand). VCF-style: chr2-166303302-C-A. GRCh37 (hg19) VCF-style: chr2-167159812-C-A.
Other names: c.689G>T, p.Gly230Val (NM_002977.4); short protein forms G230V.
Identifiers: ClinVar variation 3752016 (VCV003752016.2).

ClinVar aggregate classification (germline): Uncertain significance (1 of 4 stars; one submission).

Conditions:
Neuropathy, hereditary sensory and autonomic, type 2A (HSAN2A). Also called: MORVAN DISEASE; NEUROPATHY, CONGENITAL SENSORY; NEUROPATHY, HEREDITARY SENSORY RADICULAR, AUTOSOMAL RECESSIVE; NEUROPATHY, HEREDITARY SENSORY, TYPE IIA; NEUROPATHY, PROGRESSIVE SENSORY, OF CHILDREN; ACROOSTEOLYSIS, GIACCAI TYPE. Identifiers: Orphanet 970, MedGen C2752089, MONDO:0024309, OMIM 201300.
Generalized epilepsy with febrile seizures plus, type 7 (GEFSP7). Also called: GEFS+, TYPE 7. Identifiers: Orphanet 36387, MedGen C2751778, MONDO:0013470, OMIM 613863.

gnomAD v4.1: 5 of 1,610,078 alleles (0.00031%); highest among the groups gnomAD compares: Non-Finnish European, 0.00042%; no homozygotes.

Submission:

Labcorp Genetics (formerly Invitae), Labcorp
Classification: Uncertain significance for Neuropathy, hereditary sensory and autonomic, type 2A; Generalized epilepsy with febrile seizures plus, type 7. Last evaluated: 2024-03-21. Review status: criteria provided, single submitter. Criteria: Invitae Variant Classification Sherloc (09022015). Collection method: clinical testing. Allele origin: germline.
Comment: This sequence change replaces glycine, which is neutral and non-polar, with valine, which is neutral and non-polar, at codon 230 of the SCN9A protein (p.Gly230Val). This variant is not present in population databases (gnomAD no frequency). This variant has not been reported in the literature in individuals affected with SCN9A-related conditions. An algorithm developed to predict the effect of missense changes on protein structure and function (PolyPhen-2) suggests that this variant is likely to be disruptive. In summary, the available evidence is currently insufficient to determine the role of this variant in disease. Therefore, it has been classified as a Variant of Uncertain Significance.